The following is an entry in ClinVar:

ClinVar aggregate classification (germline): Uncertain significance. Review status: criteria provided, multiple submitters, no conflicts (2 of 4 stars). 6 submissions from 6 submitters: Uncertain significance (5). 1 of the submissions does not count toward it. Last evaluated 2025-01-09.

Conditions:
Carnitine palmitoyl transferase 1A deficiency. Also called: CPT deficiency, hepatic, type IA; Carnitine palmitoyltransferase 1A deficiency; Carnitine palmitoyltransferase type I deficiency; CPT I DEFICIENCY; CPT DEFICIENCY, HEPATIC, TYPE I. Identifiers: Orphanet 156, MedGen C1829703, MONDO:0009705, OMIM 255120.

Allele frequency attached by ClinVar (database versions not stated): TOPMed 0.00014; ESP Exome Variant Server 0.00015; gnomAD 0.00015 and 0.00017; gnomAD exomes 0.00016; ExAC 0.00019.
gnomAD v4.1: 211 of 1,613,970 alleles (0.013%); highest among the groups gnomAD compares: Admixed American, 0.05%; 2 homozygotes.

Submissions (6):

Labcorp Genetics (formerly Invitae), Labcorp
Classification: Uncertain significance for Carnitine palmitoyl transferase 1A deficiency. Last evaluated: 2025-01-09. Review status: criteria provided, single submitter. Criteria: Invitae Variant Classification Sherloc (09022015). Collection method: clinical testing. Allele origin: germline.
Comment: This sequence change replaces arginine, which is basic and polar, with histidine, which is basic and polar, at codon 284 of the CPT1A protein (p.Arg284His). This variant is present in population databases (rs144866081, gnomAD 0.04%). This variant has not been reported in the literature in individuals affected with CPT1A-related conditions. ClinVar contains an entry for this variant (Variation ID: 575393). Invitae Evidence Modeling of protein sequence and biophysical properties (such as structural, functional, and spatial information, amino acid conservation, physicochemical variation, residue mobility, and thermodynamic stability) indicates that this missense variant is not expected to disrupt CPT1A protein function with a negative predictive value of 80%. In summary, the available evidence is currently insufficient to determine the role of this variant in disease. Therefore, it has been classified as a Variant of Uncertain Significance.

Revvity Omics, Revvity
Classification: Uncertain significance for Carnitine palmitoyl transferase 1A deficiency. Last evaluated: 2024-12-23. Review status: criteria provided, single submitter. Criteria: ACMG Guidelines, 2015. Collection method: clinical testing. Allele origin: germline.

Fulgent Genetics
Classification: Uncertain significance for Carnitine palmitoyl transferase 1A deficiency. Last evaluated: 2021-07-23. Review status: criteria provided, single submitter. Criteria: ACMG Guidelines, 2015. Collection method: clinical testing. Allele origin: unknown.

GeneDx
Classification: Uncertain significance. Last evaluated: 2021-05-25. Review status: criteria provided, single submitter. Criteria: GeneDx Variant Classification Process June 2021. Collection method: clinical testing. Allele origin: germline. Affected: yes.
Comment: Has not been previously published as pathogenic or benign to our knowledge; In silico analysis supports that this missense variant has a deleterious effect on protein structure/function; This variant is associated with the following publications: (PMID: 29429925)

Eurofins Ntd Llc (ga)
Classification: Uncertain significance. Last evaluated: 2018-04-09. Review status: criteria provided, single submitter. Criteria: EGL ClinVar v180209 classification definitions. Collection method: clinical testing. Allele origin: germline. Observed: 1 variant allele, 1 heterozygote.

Natera, Inc.
Classification: Uncertain significance for Carnitine palmitoyltransferase type I deficiency. Last evaluated: 2020-04-16. Review status: no assertion criteria provided. Collection method: clinical testing. Allele origin: germline. Not counted in ClinVar's aggregate classification.

NM_001876.4(CPT1A):c.851G>A (p.Arg284His)

Gene: CPT1A (carnitine palmitoyltransferase 1A; minus strand). Cytogenetic location: 11q13.3.
Variant type: single nucleotide variant.
Coding change: c.851G>A on transcript NM_001876.4 (MANE Select); coding-DNA position 851, G replaced by A.
Protein change: p.Arg284His; replaces arginine 284 with histidine.
Molecular consequence: missense variant.
Genome position (GRCh38, 1-based): chr11:68,794,832, C>T on the plus strand (G>A on the coding strand, the complement: CPT1A is on the minus strand). VCF-style: chr11-68794832-C-T. GRCh37 (hg19) VCF-style: chr11-68562300-C-T.
Other names: c.851G>A, p.Arg284His (NM_001031847.3); short protein forms R284H.
Identifiers: ClinVar variation 575393 (VCV000575393.17), dbSNP rs144866081, ClinGen allele CA6152506.
Genomic context (GRCh38, chr11:68,794,832, plus strand): 5'-AATAATTTTTTTAAAGCAATTTGTTTGCCTACTGGTTTGATTTCCTCCCGGTCCAGTTTG[C>T]GCCTGTAAAGCAGGATGGCATGGATGGCGTTGCCGGCTCTTGCTGCCTGAATGTGAGTTG-3'
Protein context (NP_001867.2, residues 274-294): NAIHAILLYR[Arg284His]KLDREEIKPI